The following is an entry in ClinVar:

ClinVar aggregate classification (germline): Uncertain significance (1 of 4 stars; one submission).

Conditions:
Early-onset Lafora body disease. Also called: Epilepsy, progressive myoclonic, 10. Identifiers: Orphanet 324290, MedGen C4225258, MONDO:0014717, OMIM 616640.

Submission:

Labcorp Genetics (formerly Invitae), Labcorp
Classification: Uncertain significance for Early-onset Lafora body disease. Last evaluated: 2020-05-27. Review status: criteria provided, single submitter. Criteria: Invitae Variant Classification Sherloc (09022015). Collection method: clinical testing. Allele origin: germline.
Comment: This sequence change replaces histidine with tyrosine at codon 527 of the PRDM8 protein (p.His527Tyr). The histidine residue is moderately conserved and there is a moderate physicochemical difference between histidine and tyrosine. The frequency data for this variant in the population databases is considered unreliable, as metrics indicate insufficient coverage at this position in the ExAC database. This variant has not been reported in the literature in individuals with PRDM8-related conditions. Algorithms developed to predict the effect of missense changes on protein structure and function (SIFT, PolyPhen-2, Align-GVGD) all suggest that this variant is likely to be tolerated, but these predictions have not been confirmed by published functional studies and their clinical significance is uncertain. In summary, the available evidence is currently insufficient to determine the role of this variant in disease. Therefore, it has been classified as a Variant of Uncertain Significance.

NM_001099403.2(PRDM8):c.1579C>T (p.His527Tyr)

Gene: PRDM8 (PR/SET domain 8; plus strand). Cytogenetic location: 4q21.21.
Variant type: single nucleotide variant.
Coding change: c.1579C>T on transcript NM_001099403.2 (MANE Select); coding-DNA position 1579, C replaced by T.
Protein change: p.His527Tyr; replaces histidine 527 with tyrosine.
Molecular consequence: missense variant.
Genome position (GRCh38, 1-based): chr4:80,203,041, C>T. VCF-style: chr4-80203041-C-T. GRCh37 (hg19) VCF-style: chr4-81124195-C-T.
Other names: c.1579C>T, p.His527Tyr (NM_020226.4); short protein forms H527Y.
Identifiers: ClinVar variation 1054290 (VCV001054290.9), dbSNP rs2109880022, ClinGen allele CA357401570.